The following is an entry in ClinVar:

ClinVar aggregate classification (germline): Uncertain significance (1 of 4 stars; one submission).

Conditions:
Hereditary cancer-predisposing syndrome. Also called: Neoplastic Syndromes, Hereditary; Tumor predisposition; Hereditary neoplastic syndrome; Hereditary Cancer Syndrome. Identifiers: Orphanet 140162, MedGen C0027672, MeSH D009386, MONDO:0015356.

Submission:

Ambry Genetics
Classification: Uncertain significance for Hereditary cancer-predisposing syndrome. Last evaluated: 2026-07-06. Review status: criteria provided, single submitter. Criteria: Ambry Variant Classification Scheme 2023. Collection method: clinical testing. Allele origin: germline.
Comment: The p.Q725E variant (also known as c.2173C>G), located in coding exon 14 of the NBN gene, results from a C to G substitution at nucleotide position 2173. The glutamine at codon 725 is replaced by glutamic acid, an amino acid with highly similar properties. This amino acid position is conserved. In addition, this alteration is predicted to be tolerated by in silico analysis. Based on the available evidence, the clinical significance of this variant remains unclear.

NM_002485.5(NBN):c.2173C>G (p.Gln725Glu)

Gene: NBN (nibrin; minus strand). Cytogenetic location: 8q21.3.
Variant type: single nucleotide variant.
Coding change: c.2173C>G on transcript NM_002485.5 (MANE Select); coding-DNA position 2173, C replaced by G.
Protein change: p.Gln725Glu; replaces glutamine 725 with glutamic acid.
Molecular consequence: missense variant.
Genome position (GRCh38, 1-based): chr8:89,943,264, G>C on the plus strand (C>G on the coding strand, the complement: NBN is on the minus strand). VCF-style: chr8-89943264-G-C. GRCh37 (hg19) VCF-style: chr8-90955492-G-C.
Other names: c.1927C>G, p.Gln643Glu (NM_001024688.3, NM_001440379.1, NM_001440380.1); short protein forms Q643E, Q725E.
Identifiers: ClinVar variation 5025372 (VCV005025372.1).